The following is an entry in ClinVar:

ClinVar aggregate classification (germline): Uncertain significance (1 of 4 stars; one submission).

Submission:

Labcorp Genetics (formerly Invitae), Labcorp
Classification: Uncertain significance. Last evaluated: 2023-07-03. Review status: criteria provided, single submitter. Criteria: Invitae Variant Classification Sherloc (09022015). Collection method: clinical testing. Allele origin: germline.
Comment: This variant has not been reported in the literature in individuals affected with VCAN-related conditions. This sequence change replaces aspartic acid, which is acidic and polar, with glutamic acid, which is acidic and polar, at codon 1117 of the VCAN protein (p.Asp1117Glu). This variant is not present in population databases (gnomAD no frequency). Algorithms developed to predict the effect of missense changes on protein structure and function output the following: SIFT: "Not Available"; PolyPhen-2: "Benign"; Align-GVGD: "Not Available". The glutamic acid amino acid residue is found in multiple mammalian species, which suggests that this missense change does not adversely affect protein function. In summary, the available evidence is currently insufficient to determine the role of this variant in disease. Therefore, it has been classified as a Variant of Uncertain Significance.

NM_004385.5(VCAN):c.3351T>G (p.Asp1117Glu)

Gene: VCAN (versican; plus strand). Cytogenetic location: 5q14.3.
Variant type: single nucleotide variant.
Coding change: c.3351T>G on transcript NM_004385.5 (MANE Select); coding-DNA position 3351, T replaced by G.
Protein change: p.Asp1117Glu; replaces aspartic acid 1117 with glutamic acid.
Molecular consequence: missense variant. On other transcripts: intron variant (2).
Genome position (GRCh38, 1-based): chr5:83,521,657, T>G. VCF-style: chr5-83521657-T-G. GRCh37 (hg19) VCF-style: chr5-82817476-T-G.
Other names: c.3351T>G, p.Asp1117Glu (NM_001164098.2); c.1042+9261T>G (NM_001164097.2, NM_001126336.3); short protein forms D1117E.
Identifiers: ClinVar variation 2786689 (VCV002786689.3), dbSNP rs2479057533, ClinGen allele CA360305870.
Genomic context (GRCh38, chr5:83,521,657, plus strand): 5'-AATTGATCACAGTGTGTCTTATCCACCAGGTGCTGTAACTGAGCACAAAGTGAAAACAGA[T>G]GAAGTGGTAACACTAACACCACGCATTGGGCCAAAAGTATCTTTAAGTCCAGGGCCTGAA-3'
Protein context (NP_004376.2, residues 1107-1127): GAVTEHKVKT[Asp1117Glu]EVVTLTPRIG